The following is an entry in ClinVar:

ClinVar aggregate classification (germline): Uncertain significance (1 of 4 stars; one submission).

Conditions:
Hyperammonemia, type III (NAGSD). Also called: Hyperammonemia due to N-acetylglutamate synthase deficiency. Identifiers: Orphanet 927, MedGen C0268543, MONDO:0009377, OMIM 237310.

Allele frequency attached by ClinVar (database versions not stated): gnomAD exomes 0.00001 and 0.00002; ExAC 0.00004.
gnomAD v4.1: 7 of 1,612,386 alleles (0.00043%); highest among the groups gnomAD compares: Admixed American, 0.01%; no homozygotes.

Submission:

Labcorp Genetics (formerly Invitae), Labcorp
Classification: Uncertain significance for Hyperammonemia, type III. Last evaluated: 2021-09-18. Review status: criteria provided, single submitter. Criteria: Invitae Variant Classification Sherloc (09022015). Collection method: clinical testing. Allele origin: germline.
Comment: This sequence change replaces valine with glutamic acid at codon 380 of the NAGS protein (p.Val380Glu). The valine residue is moderately conserved and there is a moderate physicochemical difference between valine and glutamic acid. This variant is present in population databases (rs749187900, ExAC 0.04%). This variant has not been reported in the literature in individuals with NAGS-related conditions. Algorithms developed to predict the effect of missense changes on protein structure and function are either unavailable or do not agree on the potential impact of this missense change (SIFT: "Tolerated"; PolyPhen-2: "Possibly Damaging"; Align-GVGD: "Class C0"). In summary, the available evidence is currently insufficient to determine the role of this variant in disease. Therefore, it has been classified as a Variant of Uncertain Significance.

NM_153006.3(NAGS):c.1139T>A (p.Val380Glu)

Gene: NAGS (N-acetylglutamate synthase; plus strand). Cytogenetic location: 17q21.31.
Variant type: single nucleotide variant.
Coding change: c.1139T>A on transcript NM_153006.3 (MANE Select); coding-DNA position 1139, T replaced by A.
Protein change: p.Val380Glu; replaces valine 380 with glutamic acid.
Molecular consequence: missense variant.
Genome position (GRCh38, 1-based): chr17:44,007,365, T>A. VCF-style: chr17-44007365-T-A. GRCh37 (hg19) VCF-style: chr17-42084733-T-A.
Other names: short protein forms V380E.
Identifiers: ClinVar variation 1429930 (VCV001429930.3), dbSNP rs749187900, ClinGen allele CA8595328.